The following is an entry in ClinVar:

ClinVar aggregate classification (germline): Likely benign. Review status: criteria provided, multiple submitters, no conflicts (2 of 4 stars). 3 submissions from 3 submitters: Likely benign (3). Last evaluated 2023-08-10.

Conditions:
Arrhythmogenic right ventricular dysplasia 10. Also called: Arrhythmogenic Right Ventricular Dysplasia/Cardiomyopathy10; Arrhythmogenic right ventricular dysplasia/cardiomyopathy, type 10; ARRHYTHMOGENIC RIGHT VENTRICULAR DYSPLASIA, FAMILIAL, 10. Identifiers: MedGen C1857777, MONDO:0012434, OMIM 610193.
Cardiomyopathy (CMYO). Also called: Cardiomyopathies. Identifiers: Orphanet 167848, MedGen C0878544, MONDO:0004994, HP:0001638. Inheritance: Various modes of inheritance.

Allele frequency attached by ClinVar (database versions not stated): gnomAD exomes below 0.00001; ExAC 0.00001.
gnomAD v4.1: 1 of 1,614,182 alleles (0.000062%); highest among the groups gnomAD compares: Non-Finnish European, 0.000085%; no homozygotes.

Submissions (3):

Labcorp Genetics (formerly Invitae), Labcorp
Classification: Likely benign for Arrhythmogenic right ventricular dysplasia 10. Last evaluated: 2023-08-10. Review status: criteria provided, single submitter. Criteria: Invitae Variant Classification Sherloc (09022015). Collection method: clinical testing. Allele origin: germline.

Color Diagnostics, LLC DBA Color Health
Classification: Likely benign for Cardiomyopathy. Last evaluated: 2019-07-09. Review status: criteria provided, single submitter. Criteria: ACMG Guidelines, 2015. Collection method: clinical testing. Allele origin: germline.

GeneDx
Classification: Likely benign. Last evaluated: 2016-11-01. Review status: criteria provided, single submitter. Criteria: GeneDx Variant Classification (06012015). Collection method: clinical testing. Allele origin: germline. Affected: yes.
Comment: This variant is considered likely benign or benign based on one or more of the following criteria: it is a conservative change, it occurs at a poorly conserved position in the protein, it is predicted to be benign by multiple in silico algorithms, and/or has population frequency not consistent with disease.

NM_001943.5(DSG2):c.1266A>G (p.Leu422=)

Gene: DSG2 (desmoglein 2; plus strand). Cytogenetic location: 18q12.1.
Variant type: single nucleotide variant.
Coding change: c.1266A>G on transcript NM_001943.5 (MANE Select); coding-DNA position 1266, A replaced by G.
Protein change: p.Leu422=; no amino-acid change (leucine 422 retained).
Molecular consequence: synonymous variant.
Genome position (GRCh38, 1-based): chr18:31,531,238, A>G. VCF-style: chr18-31531238-A-G. GRCh37 (hg19) VCF-style: chr18-29111201-A-G.
Other names: c.1266A>G (LRG_397t1).
Identifiers: ClinVar variation 390433 (VCV000390433.7), dbSNP rs770359142, ClinGen allele CA041781.